The following is an entry in ClinVar:

ClinVar aggregate classification (germline): Uncertain significance (1 of 4 stars; one submission).

Conditions:
Kleefstra syndrome 2 (KLEFS2). Identifiers: MedGen C4540395, MONDO:0054701, OMIM 617768.

Submission:

Institute of Human Genetics, University of Leipzig Medical Center
Classification: Uncertain significance for Kleefstra syndrome 2. Last evaluated: 2024-08-15. Review status: criteria provided, single submitter. Criteria: ACMG Guidelines, 2015. Collection method: clinical testing. Allele origin: de novo. Inheritance: Autosomal dominant inheritance. Affected: yes.
Comment: Criteria applied: PS2_MOD,PM2_SUP,PP2,PP3,BP1_MOD

NM_170606.3(KMT2C):c.2983A>G (p.Lys995Glu)

Gene: KMT2C (lysine methyltransferase 2C; minus strand). Cytogenetic location: 7q36.1.
Variant type: single nucleotide variant.
Coding change: c.2983A>G on transcript NM_170606.3 (MANE Select); coding-DNA position 2983, A replaced by G.
Protein change: p.Lys995Glu; replaces lysine 995 with glutamic acid.
Molecular consequence: missense variant.
Genome position (GRCh38, 1-based): chr7:152,224,610, T>C on the plus strand (A>G on the coding strand, the complement: KMT2C is on the minus strand). VCF-style: chr7-152224610-T-C. GRCh37 (hg19) VCF-style: chr7-151921695-T-C.
Other names: short protein forms K995E.
Identifiers: ClinVar variation 3024389 (VCV003024389.3), dbSNP rs2485703513, ClinGen allele CA370110647.